The following is an entry in ClinVar:

NM_001903.5(CTNNA1):c.1864A>T (p.Ile622Phe)

Gene: CTNNA1 (catenin alpha 1; plus strand). Cytogenetic location: 5q31.2.
Variant type: single nucleotide variant.
Coding change: c.1864A>T on transcript NM_001903.5 (MANE Select); coding-DNA position 1864, A replaced by T.
Protein change: p.Ile622Phe; replaces isoleucine 622 with phenylalanine.
Molecular consequence: missense variant.
Genome position (GRCh38, 1-based): chr5:138,925,372, A>T. VCF-style: chr5-138925372-A-T. GRCh37 (hg19) VCF-style: chr5-138261061-A-T.
Other names: c.1864A>T, p.Ile622Phe (NM_001290307.3, NM_001323982.2, NM_001323983.1 and 2 more transcripts); c.1555A>T, p.Ile519Phe (NM_001290309.3); c.1495A>T, p.Ile499Phe (NM_001290310.3); c.754A>T, p.Ile252Phe (NM_001290312.1, NM_001323987.1, NM_001323988.1 and 17 more transcripts); c.1771A>T, p.Ile591Phe (NM_001323986.2); c.415A>T, p.Ile139Phe (NM_001324006.1, NM_001324007.1, NM_001324008.1 and 2 more transcripts); c.661A>T, p.Ile221Phe (NM_001324011.1); c.511A>T, p.Ile171Phe (NM_001324012.1, NM_001324013.1); short protein forms I252F, I499F, I519F, I139F, I221F, I171F, I591F, I622F.
Identifiers: ClinVar variation 1781551 (VCV001781551.8), dbSNP rs2533736517, ClinGen allele CA361132374.

ClinVar aggregate classification (germline): Uncertain significance. Review status: criteria provided, multiple submitters, no conflicts (2 of 4 stars). 3 submissions from 3 submitters: Uncertain significance (3). Last evaluated 2024-02-19.

Conditions:
Hereditary cancer-predisposing syndrome. Also called: Hereditary Cancer Syndrome; Hereditary neoplastic syndrome; Neoplastic Syndromes, Hereditary; Tumor predisposition. Identifiers: Orphanet 140162, MedGen C0027672, MeSH D009386, MONDO:0015356.

Submissions (3):

Blueprint Genetics
Classification: Uncertain significance. Last evaluated: 2024-02-19. Review status: criteria provided, single submitter. Criteria: ACMG Guidelines, 2015. Collection method: clinical testing. Allele origin: germline.

Labcorp Genetics (formerly Invitae), Labcorp
Classification: Uncertain significance. Last evaluated: 2022-09-02. Review status: criteria provided, single submitter. Criteria: Invitae Variant Classification Sherloc (09022015). Collection method: clinical testing. Allele origin: germline.
Comment: In summary, the available evidence is currently insufficient to determine the role of this variant in disease. Therefore, it has been classified as a Variant of Uncertain Significance. Algorithms developed to predict the effect of missense changes on protein structure and function are either unavailable or do not agree on the potential impact of this missense change (SIFT: "Deleterious"; PolyPhen-2: "Possibly Damaging"; Align-GVGD: "Class C0"). This variant has not been reported in the literature in individuals affected with CTNNA1-related conditions. This variant is not present in population databases (gnomAD no frequency). This sequence change replaces isoleucine, which is neutral and non-polar, with phenylalanine, which is neutral and non-polar, at codon 622 of the CTNNA1 protein (p.Ile622Phe).

Ambry Genetics
Classification: Uncertain significance for Hereditary cancer-predisposing syndrome. Last evaluated: 2022-02-02. Review status: criteria provided, single submitter. Criteria: Ambry Variant Classification Scheme 2023. Collection method: clinical testing. Allele origin: germline.
Comment: The p.I622F variant (also known as c.1864A>T), located in coding exon 12 of the CTNNA1 gene, results from an A to T substitution at nucleotide position 1864. The isoleucine at codon 622 is replaced by phenylalanine, an amino acid with highly similar properties. This amino acid position is well conserved in available vertebrate species. In addition, the in silico prediction for this alteration is inconclusive. The evidence for this gene-disease relationship is limited; therefore, the clinical significance of this alteration is unclear.